The following is an entry in ClinVar:

ClinVar aggregate classification (germline): Uncertain significance. Review status: criteria provided, multiple submitters, no conflicts (2 of 4 stars). 4 submissions from 4 submitters: Uncertain significance (4). Last evaluated 2025-12-09.

Conditions:
Arrhythmogenic right ventricular dysplasia 12. Also called: ARRHYTHMOGENIC RIGHT VENTRICULAR DYSPLASIA, FAMILIAL, 12. Identifiers: MedGen C1969081, MONDO:0012684, OMIM 611528.
Naxos disease (NXD). Also called: WOOLLY HAIR, PALMOPLANTAR KERATODERMA, AND CARDIAC ABNORMALITIES; PALMOPLANTAR KERATODERMA WITH ARRHYTHMOGENIC RIGHT VENTRICULAR CARDIOMYOPATHY AND WOOLLY HAIR; KERATOSIS PALMOPLANTARIS WITH ARRHYTHMOGENIC CARDIOMYOPATHY; MAL DE NAXOS; CARDIOMYOPATHY, ARRHYTHMOGENIC RIGHT VENTRICULAR, WITH SKIN, HAIR, AND NAIL ABNORMALITIES. Identifiers: Orphanet 34217, MedGen C1832600, MONDO:0011017, OMIM 601214.
Cardiovascular phenotype. Identifiers: MedGen CN230736.

Allele frequency attached by ClinVar (database versions not stated): TOPMed 0.00001; gnomAD 0.00003 and 0.00004.
gnomAD v4.1: 12 of 1,598,916 alleles (0.00075%); highest among the groups gnomAD compares: African/African-American, 0.0054%; no homozygotes.

Submissions (4):

Labcorp Genetics (formerly Invitae), Labcorp
Classification: Uncertain significance for Arrhythmogenic right ventricular dysplasia 12; Naxos disease. Last evaluated: 2025-12-09. Review status: criteria provided, single submitter. Criteria: Invitae Variant Classification Sherloc (09022015). Collection method: clinical testing. Allele origin: germline.
Comment: This sequence change affects codon 551 of the JUP mRNA. It is a 'silent' change, meaning that it does not change the encoded amino acid sequence of the JUP protein. This variant also falls at the last nucleotide of exon 9, which is part of the consensus splice site for this exon. This variant is present in population databases (no rsID available, gnomAD 0.005%). This variant has not been reported in the literature in individuals affected with JUP-related conditions. ClinVar contains an entry for this variant (Variation ID: 536627). Variants that disrupt the consensus splice site are a relatively common cause of aberrant splicing (PMID: 17576681, 9536098). Algorithms developed to predict the effect of sequence changes on RNA splicing suggest that this variant is not likely to affect RNA splicing. In summary, the available evidence is currently insufficient to determine the role of this variant in disease. Therefore, it has been classified as a Variant of Uncertain Significance.

Ambry Genetics
Classification: Uncertain significance for Cardiovascular phenotype. Last evaluated: 2023-12-12. Review status: criteria provided, single submitter. Criteria: Ambry Variant Classification Scheme 2023. Collection method: clinical testing. Allele origin: germline.
Comment: The c.1653G>A variant (also known as p.T551T) is located in coding exon 8 of the JUP gene. This variant results from a G to A substitution at nucleotide position 1653. This nucleotide substitution does not change the threonine at codon 551. However, this change occurs in the last base pair of coding exon 8, which makes it likely to have some effect on normal mRNA splicing. This nucleotide position is well conserved in available vertebrate species. In silico splice site analysis for this alteration is inconclusive. Since supporting evidence is limited at this time, the clinical significance of this alteration remains unclear.

Blueprint Genetics
Classification: Uncertain significance. Last evaluated: 2023-10-27. Review status: criteria provided, single submitter. Criteria: ACMG Guidelines, 2015. Collection method: clinical testing. Allele origin: germline.

Fulgent Genetics
Classification: Uncertain significance for Naxos disease; Arrhythmogenic right ventricular dysplasia 12. Last evaluated: 2021-07-12. Review status: criteria provided, single submitter. Criteria: ACMG Guidelines, 2015. Collection method: clinical testing. Allele origin: unknown.

Literature cited by the submitters: PubMed 17576681 (cited by Labcorp Genetics (formerly Invitae), Labcorp); PubMed 9536098 (cited by Labcorp Genetics (formerly Invitae), Labcorp).

NM_002230.4(JUP):c.1653G>A (p.Thr551=)

Gene: JUP (junction plakoglobin; minus strand). Cytogenetic location: 17q21.2.
Variant type: single nucleotide variant.
Coding change: c.1653G>A on transcript NM_002230.4 (MANE Select); coding-DNA position 1653, G replaced by A.
Protein change: p.Thr551=; no amino-acid change (threonine 551 retained).
Molecular consequence: synonymous variant.
Genome position (GRCh38, 1-based): chr17:41,758,715, C>T on the plus strand (G>A on the coding strand, the complement: JUP is on the minus strand). VCF-style: chr17-41758715-C-T. GRCh37 (hg19) VCF-style: chr17-39914967-C-T.
Other names: c.1653G>A, p.Thr551= (NM_001352773.2, NM_001352774.2, NM_001352775.2 and 3 more transcripts).
Identifiers: ClinVar variation 536627 (VCV000536627.9), dbSNP rs782044013, ClinGen allele CA500023058.